The following is an entry in ClinVar:

NM_016077.5(PTRH2):c.254A>C (p.Gln85Pro)

Gene: PTRH2 (peptidyl-tRNA hydrolase 2; minus strand). Cytogenetic location: 17q23.1.
Variant type: single nucleotide variant.
Coding change: c.254A>C on transcript NM_016077.5 (MANE Select); coding-DNA position 254, A replaced by C.
Protein change: p.Gln85Pro; replaces glutamine 85 with proline.
Molecular consequence: missense variant.
Genome position (GRCh38, 1-based): chr17:59,697,725, T>G on the plus strand (A>C on the coding strand, the complement: PTRH2 is on the minus strand). VCF-style: chr17-59697725-T-G. GRCh37 (hg19) VCF-style: chr17-57775086-T-G.
Other names: c.257A>C, p.Gln86Pro (NM_001015509.3); short protein forms Q85P, Q86P.
Identifiers: ClinVar variation 183332 (VCV000183332.15), dbSNP rs730882234, ClinGen allele CA186106.

ClinVar aggregate classification (germline): Pathogenic. Review status: criteria provided, multiple submitters, no conflicts (2 of 4 stars). 7 submissions from 6 submitters: Pathogenic (3). 4 of the submissions do not count toward it. Last evaluated 2024-03-17.

Conditions:
Neurologic, endocrine, and pancreatic disease, multisystem, infantile-onset 1 (IMNEPD1). Identifiers: Orphanet 456312, MedGen C4015728, MONDO:8000012, OMIM 616263.
Neurologic, endocrine, and pancreatic disease, multisystem, infantile-onset. Identifiers: MedGen CN228418, MONDO:0024189.
Cerebellar ataxia. Identifiers: Orphanet 102002, MedGen C0007758, MONDO:0000437.
Global developmental delay (DD). Also called: Cognitive delay. Identifiers: MedGen C0557874, HP:0001263. Disease mechanism: loss of function.
Hearing impairment. Also called: Impaired Hearing. Identifiers: MedGen C1384666, MONDO:0005365, HP:0000365.

Submissions (7):

Genomic Medicine Center of Excellence, King Faisal Specialist Hospital and Research Centre
Classification: Pathogenic for Neurologic, endocrine, and pancreatic disease, multisystem, infantile-onset 1. Last evaluated: 2024-03-17. Review status: criteria provided, single submitter. Criteria: ACMG Guidelines, 2015. Collection method: research. Allele origin: germline.

Revvity Omics, Revvity
Classification: Pathogenic for Neurologic, endocrine, and pancreatic disease, multisystem, infantile-onset 1. Last evaluated: 2020-11-19. Review status: criteria provided, single submitter. Criteria: ACMG Guidelines, 2015. Collection method: clinical testing. Allele origin: germline.

Baylor Genetics
Classification: Pathogenic for Neurologic, endocrine, and pancreatic disease, multisystem, infantile-onset 1. Last evaluated: 2020-06-03. Review status: criteria provided, single submitter. Criteria: ACMG Guidelines, 2015. Collection method: clinical testing. Allele origin: unknown. Affected: yes.
Comment: This variant was determined to be pathogenic according to ACMG Guidelines, 2015 [PMID:25741868].

Biochemical Molecular Genetic Laboratory, King Abdulaziz Medical City
Classification: Pathogenic for Neurologic, endocrine, and pancreatic disease, multisystem, infantile-onset 1. Last evaluated: 2019-09-26. Review status: no assertion criteria provided. Collection method: clinical testing. Allele origin: germline. Affected: yes. Not counted in ClinVar's aggregate classification.

Hereditary Research Laboratory, Bethlehem University
Classification: Pathogenic for Neurologic, endocrine, and pancreatic disease, multisystem, infantile-onset. Last evaluated: 2016-06-04. Review status: no assertion criteria provided. Collection method: research. Allele origin: germline. Affected: yes. Not counted in ClinVar's aggregate classification.

OMIM
Classification: Pathogenic for NEUROLOGIC, ENDOCRINE, AND PANCREATIC DISEASE, MULTISYSTEM, INFANTILE-ONSET 1. Last evaluated: 2015-01-13. Review status: no assertion criteria provided. Collection method: literature only. Allele origin: germline. Not counted in ClinVar's aggregate classification.

Genomic Medicine Center of Excellence, King Faisal Specialist Hospital and Research Centre
Classification: Likely pathogenic for Global developmental delay; Hearing loss; Ataxia. Last evaluated: 2014-12-01. Review status: no assertion criteria provided. Criteria: research. Collection method: research. Allele origin: germline. Affected: yes. Not counted in ClinVar's aggregate classification.

Literature cited by the submitters: PubMed 25558065 (cited by OMIM and Genomic Medicine Center of Excellence, King Faisal Specialist Hospital and Research Centre); PubMed 27129381 (cited by OMIM); PubMed 28328138 (cited by OMIM).